The following is an entry in ClinVar:

ClinVar aggregate classification (germline): Uncertain significance. Review status: criteria provided, multiple submitters, no conflicts (2 of 4 stars). 2 submissions from 2 submitters: Uncertain significance (2). Last evaluated 2025-12-19.

Conditions:
Usher syndrome type 3B. Also called: USHER SYNDROME, TYPE IIIB. Identifiers: MedGen C3281066, MONDO:0013788, OMIM 614504.

Allele frequency attached by ClinVar (database versions not stated): gnomAD exomes below 0.00001; gnomAD 0.00001; TOPMed 0.00001.
gnomAD v4.1: 5 of 1,613,712 alleles (0.00031%); highest among the groups gnomAD compares: Admixed American, 0.005%; no homozygotes.

Submissions (2):

Labcorp Genetics (formerly Invitae), Labcorp
Classification: Uncertain significance for Usher syndrome type 3B. Last evaluated: 2025-12-19. Review status: criteria provided, single submitter. Criteria: Invitae Variant Classification Sherloc (09022015). Collection method: clinical testing. Allele origin: germline.
Comment: This sequence change replaces glutamine, which is neutral and polar, with lysine, which is basic and polar, at codon 69 of the HARS protein (p.Gln69Lys). This variant is present in population databases (no rsID available, gnomAD no frequency). This variant has not been reported in the literature in individuals affected with HARS-related conditions. ClinVar contains an entry for this variant (Variation ID: 1680366). Invitae Evidence Modeling of protein sequence and biophysical properties (such as structural, functional, and spatial information, amino acid conservation, physicochemical variation, residue mobility, and thermodynamic stability) indicates that this missense variant is not expected to disrupt HARS protein function with a negative predictive value of 80%. In summary, the available evidence is currently insufficient to determine the role of this variant in disease. Therefore, it has been classified as a Variant of Uncertain Significance.

GeneDx
Classification: Uncertain significance. Last evaluated: 2021-12-03. Review status: criteria provided, single submitter. Criteria: GeneDx Variant Classification Process June 2021. Collection method: clinical testing. Allele origin: germline. Affected: yes.
Comment: Has not been previously published as pathogenic or benign to our knowledge; Not observed at significant frequency in large population cohorts (gnomAD); In silico analysis supports that this missense variant has a deleterious effect on protein structure/function

NM_002109.6(HARS1):c.205C>A (p.Gln69Lys)

Gene: HARS1 (histidyl-tRNA synthetase 1; minus strand). Cytogenetic location: 5q31.3.
Variant type: single nucleotide variant.
Coding change: c.205C>A on transcript NM_002109.6 (MANE Select); coding-DNA position 205, C replaced by A.
Protein change: p.Gln69Lys; replaces glutamine 69 with lysine.
Molecular consequence: missense variant. On other transcripts: intron variant (3).
Genome position (GRCh38, 1-based): chr5:140,683,195, G>T on the plus strand (C>A on the coding strand, the complement: HARS1 is on the minus strand). VCF-style: chr5-140683195-G-T. GRCh37 (hg19) VCF-style: chr5-140062780-G-T.
Other names: c.205C>A, p.Gln69Lys (NM_001258041.3, NM_001289092.2); c.118C>A, p.Gln40Lys (NM_001289094.2); c.181-5180C>A (NM_001289093.2); c.181-3312C>A (NM_001258042.3, NM_001258040.3); short protein forms Q40K, Q69K.
Identifiers: ClinVar variation 1680366 (VCV001680366.8), dbSNP rs906500515, ClinGen allele CA128379120.